The following is an entry in ClinVar:

NC_000010.10:g.(?_50818787)_(50824668_?)dup

Genes: SLC18A3 (solute carrier family 18 member A3; plus strand), CHAT (choline O-acetyltransferase; plus strand). Cytogenetic location: 10q11.23.
Variant type: Duplication.
Identifiers: ClinVar variation 2426566 (VCV002426566.4).

ClinVar aggregate classification (germline): Uncertain significance (1 of 4 stars; one submission).

Conditions:
Familial infantile myasthenia (CMS6). Also called: MYASTHENIC SYNDROME, PRESYNAPTIC, CONGENITAL, ASSOCIATED WITH EPISODIC APNEA; MYASTHENIC SYNDROME, CONGENITAL, 6, PRESYNAPTIC; Congenital myasthenic syndrome type 6. Identifiers: Orphanet 590, MedGen C0393929, MONDO:0009689, OMIM 254210.

Submission:

Labcorp Genetics (formerly Invitae), Labcorp
Classification: Uncertain significance for Familial infantile myasthenia. Last evaluated: 2022-07-26. Review status: criteria provided, single submitter. Criteria: Invitae Variant Classification Sherloc (09022015). Collection method: clinical testing. Allele origin: germline.
Comment: This variant results in a copy number gain of the genomic region encompassing exon(s) 1-2 of the CHAT gene. This region includes the initiator codon of the gene. This copy number gain extends beyond the assayed region for this gene and therefore may encompass additional genes. As the precise location of this event is unknown, it may be in tandem or it may be located elsewhere in the genome. This variant has not been reported in the literature in individuals affected with CHAT-related conditions. Experimental studies and prediction algorithms are not available or were not evaluated, and the functional significance of this variant is currently unknown. In summary, the available evidence is currently insufficient to determine the role of this variant in disease. Therefore, it has been classified as a Variant of Uncertain Significance.